The following is an entry in ClinVar:

ClinVar aggregate classification (germline): Uncertain significance (1 of 4 stars; one submission).

Conditions:
Progressive sclerosing poliodystrophy (MTDPS4A). Also called: ALPERS PROGRESSIVE INFANTILE POLIODYSTROPHY; NEURONAL DEGENERATION OF CHILDHOOD WITH LIVER DISEASE, PROGRESSIVE; Alpers Syndrome; ALPERS DIFFUSE DEGENERATION OF CEREBRAL GRAY MATTER WITH HEPATIC CIRRHOSIS; Alpers-Huttenlocher Syndrome; Mitochondrial DNA depletion syndrome 4A (Alpers type). Identifiers: Orphanet 726, MedGen C0205710, MONDO:0008758, OMIM 203700.

Submission:

Labcorp Genetics (formerly Invitae), Labcorp
Classification: Uncertain significance for Progressive sclerosing poliodystrophy. Last evaluated: 2021-08-27. Review status: criteria provided, single submitter. Criteria: Invitae Variant Classification Sherloc (09022015). Collection method: clinical testing. Allele origin: germline.
Comment: This sequence change replaces methionine with valine at codon 705 of the POLG protein (p.Met705Val). The methionine residue is weakly conserved and there is a small physicochemical difference between methionine and valine. This variant is not present in population databases (ExAC no frequency). This variant has not been reported in the literature in individuals affected with POLG-related conditions. Algorithms developed to predict the effect of missense changes on protein structure and function output the following: SIFT: "Tolerated"; PolyPhen-2: "Benign"; Align-GVGD: "Class C0". The valine amino acid residue is found in multiple mammalian species, which suggests that this missense change does not adversely affect protein function. Algorithms developed to predict the effect of sequence changes on RNA splicing suggest that this variant may create or strengthen a splice site. In summary, the available evidence is currently insufficient to determine the role of this variant in disease. Therefore, it has been classified as a Variant of Uncertain Significance.

NM_002693.3(POLG):c.2113A>G (p.Met705Val)

Gene: POLG (DNA polymerase gamma, catalytic subunit; minus strand). Cytogenetic location: 15q26.1.
Variant type: single nucleotide variant.
Coding change: c.2113A>G on transcript NM_002693.3 (MANE Select); coding-DNA position 2113, A replaced by G.
Protein change: p.Met705Val; replaces methionine 705 with valine.
Molecular consequence: missense variant.
Genome position (GRCh38, 1-based): chr15:89,323,859, T>C on the plus strand (A>G on the coding strand, the complement: POLG is on the minus strand). VCF-style: chr15-89323859-T-C. GRCh37 (hg19) VCF-style: chr15-89867090-T-C.
Other names: c.2113A>G, p.Met705Val (NM_001126131.2); short protein forms M705V.
Identifiers: ClinVar variation 1437431 (VCV001437431.7), dbSNP rs2152063192, ClinGen allele CA393757166.